The following is an entry in ClinVar:

ClinVar aggregate classification (germline): Pathogenic (1 of 4 stars; one submission).

Submission:

Labcorp Genetics (formerly Invitae), Labcorp
Classification: Pathogenic. Last evaluated: 2020-08-05. Review status: criteria provided, single submitter. Criteria: Invitae Variant Classification Sherloc (09022015). Collection method: clinical testing. Allele origin: germline.
Comment: For these reasons, this variant has been classified as Pathogenic. Loss-of-function variants in FLVCR1 are known to be pathogenic (PMID: 23591405, 27923065). This variant has not been reported in the literature in individuals with FLVCR1-related conditions. This variant is not present in population databases (ExAC no frequency). This sequence change creates a premature translational stop signal (p.Leu497Serfs*18) in the FLVCR1 gene. It is expected to result in an absent or disrupted protein product.

Literature cited by the submitters: PubMed 23591405; PubMed 27923065.

NM_014053.4(FLVCR1):c.1488dup (p.Leu497fs)

Gene: FLVCR1 (FLVCR choline and heme transporter 1; plus strand). Cytogenetic location: 1q32.3.
Variant type: Duplication.
Coding change: c.1488dup on transcript NM_014053.4 (MANE Select); coding-DNA position 1488, one base duplicated (T; older notation c.1488dupT).
Protein change: p.Leu497fs; shifts the reading frame from leucine 497.
Molecular consequence: frameshift variant.
Genome position (GRCh38, 1-based): chr1:212,889,220, T duplicated; the last of 5 consecutive T bases (chr1:212,889,216-212,889,220); duplicating any one gives the same sequence. VCF-style (leftmost placement, unchanged base first): chr1-212889215-A-AT. GRCh37 (hg19) VCF-style: chr1-213062557-A-AT.
Other names: short protein forms L497fs.
Identifiers: ClinVar variation 1071648 (VCV001071648.7), dbSNP rs2102570274, ClinGen allele CA2499214433.